The following is an entry in ClinVar:

NM_206933.4(USH2A):c.10258T>C (p.Phe3420Leu)

Gene: USH2A (usherin; minus strand). Cytogenetic location: 1q41.
Variant type: single nucleotide variant.
Coding change: c.10258T>C on transcript NM_206933.4 (MANE Select); coding-DNA position 10258, T replaced by C.
Protein change: p.Phe3420Leu; replaces phenylalanine 3420 with leucine.
Molecular consequence: missense variant.
Genome position (GRCh38, 1-based): chr1:215,786,799, A>G on the plus strand (T>C on the coding strand, the complement: USH2A is on the minus strand). VCF-style: chr1-215786799-A-G. GRCh37 (hg19) VCF-style: chr1-215960141-A-G.
Other names: short protein forms F3420L.
Identifiers: ClinVar variation 2130065 (VCV002130065.4), dbSNP rs142183193, ClinGen allele CA37440983.

ClinVar aggregate classification (germline): Uncertain significance (1 of 4 stars; one submission).

Allele frequency attached by ClinVar (database versions not stated): TOPMed 0.00001; gnomAD 0.00002; ESP Exome Variant Server 0.00008.
gnomAD v4.1: 3 of 1,613,428 alleles (0.00019%); highest among the groups gnomAD compares: African/African-American, 0.004%; no homozygotes.

Submission:

Labcorp Genetics (formerly Invitae), Labcorp
Classification: Uncertain significance. Last evaluated: 2022-05-04. Review status: criteria provided, single submitter. Criteria: Invitae Variant Classification Sherloc (09022015). Collection method: clinical testing. Allele origin: germline.
Comment: In summary, the available evidence is currently insufficient to determine the role of this variant in disease. Therefore, it has been classified as a Variant of Uncertain Significance. Algorithms developed to predict the effect of missense changes on protein structure and function output the following: SIFT: "Tolerated"; PolyPhen-2: "Benign"; Align-GVGD: "Class C0". The leucine amino acid residue is found in multiple mammalian species, which suggests that this missense change does not adversely affect protein function. This variant has not been reported in the literature in individuals affected with USH2A-related conditions. This variant is present in population databases (rs142183193, gnomAD 0.01%). This sequence change replaces phenylalanine, which is neutral and non-polar, with leucine, which is neutral and non-polar, at codon 3420 of the USH2A protein (p.Phe3420Leu).